The following is an entry in ClinVar:

ClinVar aggregate classification (germline): Likely pathogenic (1 of 4 stars; one submission).

Submission:

GeneDx
Classification: Likely pathogenic. Last evaluated: 2017-09-26. Review status: criteria provided, single submitter. Criteria: GeneDx Variant Classification (06012015). Collection method: clinical testing. Allele origin: germline. Affected: yes.
Comment: The D751N variant in the CHD4 gene has not been reported previously as a pathogenic variant, nor as a benign variant, to our knowledge. The D751N variant is not observed in large population cohorts (Lek et al., 2016). The D751N variant is a semi-conservative amino acid substitution, which occurs at a position that is conserved across species. In silico analysis predicts this variant is probably damaging to the protein structure/function. We interpret D751N as a likely pathogenic variant.

NM_001273.5(CHD4):c.2251G>A (p.Asp751Asn)

Gene: CHD4 (chromodomain helicase DNA binding protein 4; minus strand). Cytogenetic location: 12p13.31.
Variant type: single nucleotide variant.
Coding change: c.2251G>A on transcript NM_001273.5 (MANE Select); coding-DNA position 2251, G replaced by A.
Protein change: p.Asp751Asn; replaces aspartic acid 751 with asparagine.
Molecular consequence: missense variant.
Genome position (GRCh38, 1-based): chr12:6,594,521, C>T on the plus strand (G>A on the coding strand, the complement: CHD4 is on the minus strand). VCF-style: chr12-6594521-C-T. GRCh37 (hg19) VCF-style: chr12-6703687-C-T.
Other names: c.2230G>A, p.Asp744Asn (NM_001297553.2); c.2212G>A, p.Asp738Asn (NM_001363606.2); short protein forms D751N, D738N, D744N.
Identifiers: ClinVar variation 452219 (VCV000452219.2), dbSNP rs1555171293, ClinGen allele CA383594417.
Genomic context (GRCh38, chr12:6,594,521, plus strand): 5'-CCTTGTAAAGGGAATACAGGAAGACTGCTGTCTGTACAGTTTTCCCAAGGCCCATCTCAT[C>T]AGCCAAGATGGTGTCAGTGCCCTGAGCCCAGGAGAAGCGCAACCAATTCAGGCCCTCCAT-3'
Protein context (NP_001264.2, residues 741-761): WAQGTDTILA[Asp751Asn]EMGLGKTVQT